The following is an entry in ClinVar:

NM_052859.4(RFT1):c.1590G>C (p.Gln530His)

Gene: RFT1 (RFT1 glycolipid translocator homolog; minus strand). Cytogenetic location: 3p21.1.
Variant type: single nucleotide variant.
Coding change: c.1590G>C on transcript NM_052859.4 (MANE Select); coding-DNA position 1590, G replaced by C.
Protein change: p.Gln530His; replaces glutamine 530 with histidine.
Molecular consequence: missense variant.
Genome position (GRCh38, 1-based): chr3:53,091,939, C>G on the plus strand (G>C on the coding strand, the complement: RFT1 is on the minus strand). VCF-style: chr3-53091939-C-G. GRCh37 (hg19) VCF-style: chr3-53125955-C-G.
Other names: c.1590G>C (NM_052859.3); short protein forms Q530H.
Identifiers: ClinVar variation 1366941 (VCV001366941.7), dbSNP rs1701001105, ClinGen allele CA353225732.

ClinVar aggregate classification (germline): Uncertain significance. Review status: criteria provided, multiple submitters, no conflicts (2 of 4 stars). 2 submissions from 2 submitters: Uncertain significance (2). Last evaluated 2026-02-02.

Conditions:
Inborn genetic diseases. Identifiers: MedGen C0950123, MeSH D030342.
RFT1-congenital disorder of glycosylation (CDG1N). Also called: CDG In; Congenital disorder of glycosylation type In; RFT1-CDG. Identifiers: Orphanet 244310, MedGen C2677590, MONDO:0012783, OMIM 612015.

Allele frequency attached by ClinVar (database versions not stated): gnomAD 0.00004 and 0.00005; TOPMed 0.00004.
gnomAD v4.1: 9 of 1,614,160 alleles (0.00056%); highest among the groups gnomAD compares: Admixed American, 0.01%; no homozygotes.

Submissions (2):

Labcorp Genetics (formerly Invitae), Labcorp
Classification: Uncertain significance for RFT1-congenital disorder of glycosylation. Last evaluated: 2026-02-02. Review status: criteria provided, single submitter. Criteria: Invitae Variant Classification Sherloc (09022015). Collection method: clinical testing. Allele origin: germline.
Comment: This sequence change replaces glutamine, which is neutral and polar, with histidine, which is basic and polar, at codon 530 of the RFT1 protein (p.Gln530His). This variant is not present in population databases (gnomAD no frequency). This variant has not been reported in the literature in individuals affected with RFT1-related conditions. ClinVar contains an entry for this variant (Variation ID: 1366941). Invitae Evidence Modeling of protein sequence and biophysical properties (such as structural, functional, and spatial information, amino acid conservation, physicochemical variation, residue mobility, and thermodynamic stability) indicates that this missense variant is not expected to disrupt RFT1 protein function with a negative predictive value of 80%. In summary, the available evidence is currently insufficient to determine the role of this variant in disease. Therefore, it has been classified as a Variant of Uncertain Significance.

Ambry Genetics
Classification: Uncertain significance for Inborn genetic diseases. Last evaluated: 2025-04-03. Review status: criteria provided, single submitter. Criteria: Ambry Variant Classification Scheme 2023. Collection method: clinical testing. Allele origin: germline.